The following is an entry in ClinVar:

NM_002700.3(POU4F3):c.868G>T (p.Glu290Ter)

Genes: RBM27-POU4F3 (RBM27-POU4F3 readthrough; plus strand), POU4F3 (POU class 4 homeobox 3; plus strand). Cytogenetic location: 5q32.
Variant type: single nucleotide variant.
Coding change: c.868G>T on transcript NM_002700.3 (MANE Select); coding-DNA position 868, G replaced by T.
Protein change: p.Glu290Ter; replaces glutamic acid 290 with a stop codon.
Molecular consequence: nonsense. On other transcripts: 3 prime UTR variant (1).
Genome position (GRCh38, 1-based): chr5:146,340,295, G>T. VCF-style: chr5-146340295-G-T. GRCh37 (hg19) VCF-style: chr5-145719858-G-T.
Other names: c.*737G>T (NM_001414499.1); short protein forms E290*.
Identifiers: ClinVar variation 4857386 (VCV004857386.1).

ClinVar aggregate classification (germline): Pathogenic (1 of 4 stars; one submission).

Conditions:
Autosomal dominant nonsyndromic hearing loss 15 (DFNA15). Also called: Autosomal dominant nonsyndromic hearing loss 52; DEAFNESS, AUTOSOMAL DOMINANT 52. Identifiers: Orphanet 90635, MedGen C1865366, MONDO:0011226, OMIM 602459.

Submission:

Precision Medicine Center, Zhengzhou University
Classification: Pathogenic for Autosomal dominant nonsyndromic hearing loss 15. Last evaluated: 2006-06-30. Review status: criteria provided, single submitter. Criteria: ClinGen HL ACMG Specifications v1. Collection method: clinical testing. Allele origin: maternal. Affected: yes.
Comment: PVS1+PM2:The POU4F3 c.868G>T variant is a single-nucleotide substitution in the coding region of POU4F3. This variant is predicted to introduce a premature termination codon (nonsense variant), resulting in a truncated protein or triggering nonsense-mediated mRNA decay. Haploinsufficiency (loss of function) is an established disease mechanism for POU4F3-related autosomal dominant hearing loss; therefore, this variant meets the PVS1 criterion. The variant is absent or extremely rare in population databases, including gnomAD, supporting its rarity in the general population (PM2). Based on the ACMG/AMP guidelines, this variant meets the criteria PVS1 and PM2, and is therefore classified as Pathogenic.

Literature cited by the submitters: PubMed 30192042.